The following is an entry in ClinVar:

NM_022489.4(INF2):c.3587A>G (p.Asp1196Gly)

Gene: INF2 (inverted formin 2; plus strand). Cytogenetic location: 14q32.33.
Variant type: single nucleotide variant.
Coding change: c.3587A>G on transcript NM_022489.4 (MANE Select); coding-DNA position 3587, A replaced by G.
Protein change: p.Asp1196Gly; replaces aspartic acid 1196 with glycine.
Molecular consequence: missense variant.
Genome position (GRCh38, 1-based): chr14:104,714,749, A>G. VCF-style: chr14-104714749-A-G. GRCh37 (hg19) VCF-style: chr14-105181086-A-G.
Other names: c.3587A>G, p.Asp1196Gly (NM_001031714.4); short protein forms D1196G.
Identifiers: ClinVar variation 1732951 (VCV001732951.2), dbSNP rs753333052, ClinGen allele CA7373311.

ClinVar aggregate classification (germline): Uncertain significance (1 of 4 stars; one submission).

Conditions:
Inborn genetic diseases. Identifiers: MedGen C0950123, MeSH D030342.

Allele frequency attached by ClinVar (database versions not stated): TOPMed below 0.00001; gnomAD exomes 0.00001; ExAC 0.00003.
gnomAD v4.1: 17 of 1,602,030 alleles (0.0011%); highest among the groups gnomAD compares: Non-Finnish European, 0.0013%; no homozygotes.

Submission:

Ambry Genetics
Classification: Uncertain significance for Inborn genetic diseases. Last evaluated: 2021-01-13. Review status: criteria provided, single submitter. Criteria: Ambry Variant Classification Scheme 2023. Collection method: clinical testing. Allele origin: germline.
Comment: The p.D1196G variant (also known as c.3587A>G), located in coding exon 20 of the INF2 gene, results from an A to G substitution at nucleotide position 3587. The aspartic acid at codon 1196 is replaced by glycine, an amino acid with similar properties. This amino acid position is not well conserved in available vertebrate species. In addition, this alteration is predicted to be tolerated by in silico analysis. Since supporting evidence is limited at this time, the clinical significance of this alteration remains unclear.